The following is an entry in ClinVar:

NM_000018.4(ACADVL):c.1063_1064delinsGG (p.Ile355Gly)

Gene: ACADVL (acyl-CoA dehydrogenase very long chain; plus strand). Cytogenetic location: 17p13.1.
Variant type: Indel.
Coding change: c.1063_1064delinsGG on transcript NM_000018.4 (MANE Select); coding-DNA positions 1063 to 1064, AT replaced by GG.
Protein change: p.Ile355Gly; replaces isoleucine 355 with glycine.
Molecular consequence: missense variant.
Genome position (GRCh38, 1-based): chr17:7,222,851-7,222,852, AT replaced by GG. VCF-style: chr17-7222851-AT-GG. GRCh37 (hg19) VCF-style: chr17-7126170-AT-GG.
Other names: c.997_998delinsGG, p.Ile333Gly (NM_001033859.3); c.1132_1133delinsGG, p.Ile378Gly (NM_001270447.2); c.835_836delinsGG, p.Ile279Gly (NM_001270448.2); short protein forms I279G, I333G, I378G, I355G.
Identifiers: ClinVar variation 2018817 (VCV002018817.1), dbSNP rs2508319971, ClinGen allele CA2580094774.

ClinVar aggregate classification (germline): Uncertain significance (1 of 4 stars; one submission).

Conditions:
Very long chain acyl-CoA dehydrogenase deficiency (ACADVLD). Also called: Very Long-Chain Acyl-Coenzyme A Dehydrogenase Deficiency; VLCAD Deficiency. Identifiers: Orphanet 26793, MedGen C3887523, MONDO:0008723, OMIM 201475.

Submission:

Labcorp Genetics (formerly Invitae), Labcorp
Classification: Uncertain significance for Very long chain acyl-CoA dehydrogenase deficiency. Last evaluated: 2021-11-30. Review status: criteria provided, single submitter. Criteria: Invitae Variant Classification Sherloc (09022015). Collection method: clinical testing. Allele origin: germline.
Comment: This sequence change replaces isoleucine, which is neutral and non-polar, with glycine, which is neutral and non-polar, at codon 355 of the ACADVL protein (p.Ile355Gly). Information on the frequency of this variant in the gnomAD database is not available, as this variant may be reported differently in the database. This variant has not been reported in the literature in individuals affected with ACADVL-related conditions. Algorithms developed to predict the effect of missense changes on protein structure and function are either unavailable or do not agree on the potential impact of this missense change (SIFT: "Not Available"; PolyPhen-2: "Possibly Damaging"; Align-GVGD: "Not Available"). This variant disrupts the p.Ile355 amino acid residue in ACADVL. Other variant(s) that disrupt this residue have been determined to be pathogenic (Invitae). This suggests that this residue is clinically significant, and that variants that disrupt this residue are likely to be disease-causing. In summary, the available evidence is currently insufficient to determine the role of this variant in disease. Therefore, it has been classified as a Variant of Uncertain Significance.